The following is an entry in ClinVar:

NM_001042492.3(NF1):c.8503A>G (p.Ile2835Val)

Gene: NF1 (neurofibromin 1; plus strand). Cytogenetic location: 17q11.2.
Variant type: single nucleotide variant.
Coding change: c.8503A>G on transcript NM_001042492.3 (MANE Select); coding-DNA position 8503, A replaced by G.
Protein change: p.Ile2835Val; replaces isoleucine 2835 with valine.
Molecular consequence: missense variant.
Genome position (GRCh38, 1-based): chr17:31,374,138, A>G. VCF-style: chr17-31374138-A-G. GRCh37 (hg19) VCF-style: chr17-29701156-A-G.
Other names: c.8440A>G, p.Ile2814Val (NM_000267.4); short protein forms I2814V, I2835V.
Identifiers: ClinVar variation 1385163 (VCV001385163.8), dbSNP rs2151601629, ClinGen allele CA399206118.

ClinVar aggregate classification (germline): Uncertain significance. Review status: criteria provided, multiple submitters, no conflicts (2 of 4 stars). 3 submissions from 3 submitters: Uncertain significance (3). Last evaluated 2025-05-07.

Conditions:
Cardiovascular phenotype. Identifiers: MedGen CN230736.
Hereditary cancer-predisposing syndrome. Also called: Tumor predisposition; Hereditary neoplastic syndrome; Neoplastic Syndromes, Hereditary; Hereditary Cancer Syndrome. Identifiers: Orphanet 140162, MedGen C0027672, MeSH D009386, MONDO:0015356.
Neurofibromatosis, familial spinal (FSNF). Identifiers: Orphanet 636, MedGen C1834235, MONDO:0008078, OMIM 162210. Disease mechanism: loss of function.
Neurofibromatosis-Noonan syndrome (NFNS). Also called: NEUROFIBROMATOSIS WITH NOONAN PHENOTYPE. Identifiers: Orphanet 638, MedGen C2931482, MONDO:0011035, OMIM 601321. Disease mechanism: loss of function.
Café-au-lait macules with pulmonary stenosis (WTSN). Also called: PULMONIC STENOSIS WITH CAFE-AU-LAIT SPOTS. Identifiers: MedGen C0553586, MONDO:0008672, OMIM 193520.
Juvenile myelomonocytic leukemia (JMML). Also called: LEUKEMIA, JUVENILE MYELOMONOCYTIC, SOMATIC. Identifiers: Orphanet 86834, MedGen C0349639, MONDO:0011908, OMIM 607785, HP:0012209.
Neurofibromatosis, type 1 (NF1). Also called: VON RECKLINGHAUSEN DISEASE; Peripheral type neurofibromatosis; Neurofibromatosis, type I; NEUROFIBROMATOSIS, TYPE I, SOMATIC. Identifiers: Orphanet 636, MedGen C0027831, MONDO:0018975, OMIM 162200. Disease mechanism: loss of function.

Submissions (3):

Ambry Genetics
Classification: Uncertain significance for Cardiovascular phenotype; Hereditary cancer-predisposing syndrome. Last evaluated: 2025-05-07. Review status: criteria provided, single submitter. Criteria: Ambry Variant Classification Scheme 2023. Collection method: clinical testing. Allele origin: germline.
Comment: The p.I2814V variant (also known as c.8440A>G), located in coding exon 57 of the NF1 gene, results from an A to G substitution at nucleotide position 8440. The isoleucine at codon 2814 is replaced by valine, an amino acid with highly similar properties. This amino acid position is conserved. In addition, this alteration is predicted to be tolerated by in silico analysis. Based on the available evidence, the clinical significance of this variant remains unclear.

Fulgent Genetics
Classification: Uncertain significance for Neurofibromatosis, type 1; Neurofibromatosis, familial spinal; Café-au-lait macules with pulmonary stenosis; Neurofibromatosis-Noonan syndrome; Juvenile myelomonocytic leukemia. Last evaluated: 2022-04-07. Review status: criteria provided, single submitter. Criteria: ACMG Guidelines, 2015. Collection method: clinical testing. Allele origin: unknown.

Labcorp Genetics (formerly Invitae), Labcorp
Classification: Uncertain significance for Neurofibromatosis, type 1. Last evaluated: 2021-09-19. Review status: criteria provided, single submitter. Criteria: Invitae Variant Classification Sherloc (09022015). Collection method: clinical testing. Allele origin: germline.
Comment: In summary, the available evidence is currently insufficient to determine the role of this variant in disease. Therefore, it has been classified as a Variant of Uncertain Significance. This sequence change replaces isoleucine with valine at codon 2814 of the NF1 protein (p.Ile2814Val). The isoleucine residue is moderately conserved and there is a small physicochemical difference between isoleucine and valine. This variant is not present in population databases (ExAC no frequency). This variant has not been reported in the literature in individuals affected with NF1-related conditions. Algorithms developed to predict the effect of missense changes on protein structure and function are either unavailable or do not agree on the potential impact of this missense change (SIFT: "Tolerated"; PolyPhen-2: "Possibly Damaging"; Align-GVGD: "Class C0").